The following is an entry in ClinVar:

NM_000179.3(MSH6):c.3357A>C (p.Glu1119Asp)

Gene: MSH6 (mutS homolog 6; plus strand). Cytogenetic location: 2p16.3.
Variant type: single nucleotide variant.
Coding change: c.3357A>C on transcript NM_000179.3 (MANE Select); coding-DNA position 3357, A replaced by C.
Protein change: p.Glu1119Asp; replaces glutamic acid 1119 with aspartic acid.
Molecular consequence: missense variant.
Genome position (GRCh38, 1-based): chr2:47,803,604, A>C. VCF-style: chr2-47803604-A-C. GRCh37 (hg19) VCF-style: chr2-48030743-A-C.
Other names: c.2967A>C, p.Glu989Asp (NM_001281492.2); c.2451A>C, p.Glu817Asp (NM_001281493.2, NM_001281494.2); short protein forms E1119D, E817D, E989D.
Identifiers: ClinVar variation 928455 (VCV000928455.6), dbSNP rs1461013021, ClinGen allele CA346758769.
Genomic context (GRCh38, chr2:47,803,604, plus strand): 5'-TACGAAGACTTTTTTTGGAGATGATTTTATTCCTAATGACATTCTAATAGGCTGTGAGGA[A>C]GAGGAGCAGGAAAATGGCAAAGCCTATTGTGTGCTTGTTACTGGACCAAATATGGGGGGC-3'
Protein context (NP_000170.1, residues 1109-1129): IPNDILIGCE[Glu1119Asp]EEQENGKAYC

ClinVar aggregate classification (germline): Uncertain significance. Review status: criteria provided, multiple submitters, no conflicts (2 of 4 stars). 2 submissions from 2 submitters: Uncertain significance (2). Last evaluated 2025-04-16.

Conditions:
Hereditary nonpolyposis colorectal neoplasms. Identifiers: MedGen C0009405, MeSH D003123.
Hereditary cancer-predisposing syndrome. Also called: Neoplastic Syndromes, Hereditary; Hereditary Cancer Syndrome; Tumor predisposition; Hereditary neoplastic syndrome. Identifiers: Orphanet 140162, MedGen C0027672, MeSH D009386, MONDO:0015356.

Allele frequency attached by ClinVar (database versions not stated): TOPMed 0.00001.

Submissions (2):

Labcorp Genetics (formerly Invitae), Labcorp
Classification: Uncertain significance for Hereditary nonpolyposis colorectal neoplasms. Last evaluated: 2025-04-16. Review status: criteria provided, single submitter. Criteria: Invitae Variant Classification Sherloc (09022015). Collection method: clinical testing. Allele origin: germline.
Comment: This sequence change replaces glutamic acid, which is acidic and polar, with aspartic acid, which is acidic and polar, at codon 1119 of the MSH6 protein (p.Glu1119Asp). This variant is not present in population databases (gnomAD no frequency). This variant has not been reported in the literature in individuals affected with MSH6-related conditions. ClinVar contains an entry for this variant (Variation ID: 928455). Invitae Evidence Modeling of protein sequence and biophysical properties (such as structural, functional, and spatial information, amino acid conservation, physicochemical variation, residue mobility, and thermodynamic stability) indicates that this missense variant is not expected to disrupt MSH6 protein function with a negative predictive value of 95%. In summary, the available evidence is currently insufficient to determine the role of this variant in disease. Therefore, it has been classified as a Variant of Uncertain Significance.

Color Diagnostics, LLC DBA Color Health
Classification: Uncertain significance for Hereditary cancer-predisposing syndrome. Last evaluated: 2024-03-06. Review status: criteria provided, single submitter. Criteria: ACMG Guidelines, 2015. Collection method: clinical testing. Allele origin: germline.
Comment: This missense variant replaces glutamic acid with aspartic acid at codon 1119 of the MSH6 protein. Computational prediction suggests that this variant may not impact protein structure and function (internally defined REVEL score threshold <= 0.5, PMID: 27666373). Splice site prediction tools suggest that this variant may not impact RNA splicing. To our knowledge, functional studies have not been reported for this variant. This variant has not been reported in individuals affected with hereditary cancer in the literature. This variant has not been identified in the general population by the Genome Aggregation Database (gnomAD). The available evidence is insufficient to determine the role of this variant in disease conclusively. Therefore, this variant is classified as a Variant of Uncertain Significance.